The following is an entry in ClinVar:

NM_001129820.2(SLFN14):c.574A>T (p.Lys192Ter)

Gene: SLFN14 (schlafen family member 14; minus strand). Cytogenetic location: 17q12.
Variant type: single nucleotide variant.
Coding change: c.574A>T on transcript NM_001129820.2 (MANE Select); coding-DNA position 574, A replaced by T.
Protein change: p.Lys192Ter; replaces lysine 192 with a stop codon.
Molecular consequence: nonsense.
Genome position (GRCh38, 1-based): chr17:35,557,489, T>A on the plus strand (A>T on the coding strand, the complement: SLFN14 is on the minus strand). VCF-style: chr17-35557489-T-A. GRCh37 (hg19) VCF-style: chr17-33884508-T-A.
Other names: short protein forms K192*.
Identifiers: ClinVar variation 2584871 (VCV002584871.1), dbSNP rs2072664088, ClinGen allele CA399132739.

ClinVar aggregate classification (germline): Uncertain significance (1 of 4 stars; one submission).

Conditions:
Platelet-type bleeding disorder 20 (BDPLT20). Identifiers: Orphanet 466806, MedGen C4310797, MONDO:0014830, OMIM 616913.

Allele frequency attached by ClinVar (database versions not stated): gnomAD exomes below 0.00001; TOPMed below 0.00001.
gnomAD v4.1: 1 of 1,551,682 alleles (0.000064%); highest among the groups gnomAD compares: Non-Finnish European, 0.000087%; no homozygotes.

Submission:

Neuberg Centre For Genomic Medicine, NCGM
Classification: Uncertain significance for Platelet-type bleeding disorder 20. Review status: criteria provided, single submitter. Criteria: ACMG Guidelines, 2015. Collection method: clinical testing. Allele origin: germline. Inheritance: Autosomal dominant inheritance. Affected: yes.
Comment: The stop loss (c.574A>T) variant has not been reported previously as a pathogenic variant nor as a benign variant, to our knowledge. The c.574A>T variant is novel (not in any individuals) in gnomAD Exomes and 1000 Genomes. This variant is predicted to cause loss of normal protein function through protein truncation. The gene is tolerant to loss of function and loss of function variants have not been reported previously to be disease causing For these reasons, this variant has been classified as Variant of Uncertain Significance (VUS).